The following is an entry in ClinVar:

NM_177965.4(CFAP418):c.456T>C (p.Asp152=)

Gene: CFAP418 (cilia and flagella associated protein 418; minus strand). Cytogenetic location: 8q22.1.
Variant type: single nucleotide variant.
Coding change: c.456T>C on transcript NM_177965.4 (MANE Select); coding-DNA position 456, T replaced by C.
Protein change: p.Asp152=; no amino-acid change (aspartic acid 152 retained).
Molecular consequence: synonymous variant. On other transcripts: intron variant (1).
Genome position (GRCh38, 1-based): chr8:95,252,202, A>G on the plus strand (T>C on the coding strand, the complement: CFAP418 is on the minus strand). VCF-style: chr8-95252202-A-G. GRCh37 (hg19) VCF-style: chr8-96264430-A-G.
Other names: c.456T>C (NM_177965.3); c.375-4432T>C (NM_001363260.1).
Identifiers: ClinVar variation 2981558 (VCV002981558.5), dbSNP rs1298964816, ClinGen allele CA462362266.
Genomic context (GRCh38, chr8:95,252,202, plus strand): 5'-AAACTACTTGGTACTTTTTTCAGAGTGAAGTTCTTTAGCAACATACCTGAAAAACAGATA[A>G]TCACACGATTTGTCCCACATATAGTCATCATAGCTGACTACCAAGAAATCACAGGCTATA-3'
Protein context (NP_808880.1, residues 142-162): YDDYMWDKSC[Asp152=]YLFFRNNMPE

ClinVar aggregate classification (germline): Likely benign. Review status: criteria provided, single submitter (1 of 4 stars). 2 submissions from 2 submitters: Likely benign (1). 1 of the submissions does not count toward it. Last evaluated 2023-03-27.

Conditions:
CFAP418-related disorder. Also called: CFAP418-related condition.

Allele frequency attached by ClinVar (database versions not stated): gnomAD exomes below 0.00001; gnomAD 0.00001.
gnomAD v4.1: 3 of 1,612,238 alleles (0.00019%); highest among the groups gnomAD compares: Admixed American, 0.0033%; no homozygotes.

Submissions (2):

Labcorp Genetics (formerly Invitae), Labcorp
Classification: Likely benign. Last evaluated: 2023-03-27. Review status: criteria provided, single submitter. Criteria: Invitae Variant Classification Sherloc (09022015). Collection method: clinical testing. Allele origin: germline.

PreventionGenetics, part of Exact Sciences
Classification: Likely benign for CFAP418-related condition. Last evaluated: 2019-10-15. Review status: no assertion criteria provided. Collection method: clinical testing. Allele origin: germline. Not counted in ClinVar's aggregate classification.
Comment: This variant is classified as likely benign based on ACMG/AMP sequence variant interpretation guidelines (Richards et al. 2015 PMID: 25741868, with internal and published modifications).